The following is an entry in ClinVar:

NM_020312.4(COQ9):c.921+11C>A

Gene: COQ9 (coenzyme Q9; plus strand). Cytogenetic location: 16q21.
Variant type: single nucleotide variant.
Coding change: c.921+11C>A on transcript NM_020312.4 (MANE Select); 11 bases into the intron after coding-DNA position 921, C replaced by A.
Molecular consequence: intron variant.
Genome position (GRCh38, 1-based): chr16:57,460,115, C>A. VCF-style: chr16-57460115-C-A. GRCh37 (hg19) VCF-style: chr16-57494027-C-A.
Identifiers: ClinVar variation 136990 (VCV000136990.13), dbSNP rs75908124, ClinGen allele CA290449.

ClinVar aggregate classification (germline): Benign/Likely benign. Review status: criteria provided, multiple submitters, no conflicts (2 of 4 stars). 4 submissions from 4 submitters: Benign (2); Likely benign (2). Last evaluated 2026-01-26.

Conditions:
Encephalopathy-hypertrophic cardiomyopathy-renal tubular disease syndrome. Identifiers: Orphanet 319678, MedGen C3553374, MONDO:0013840, OMIM 614654.

Allele frequency attached by ClinVar (database versions not stated): 1000 Genomes Project 0.00060; 1000 Genomes Project 30x 0.00062; ESP Exome Variant Server 0.00108; TOPMed 0.00109; gnomAD 0.00143 and 0.00146; gnomAD exomes 0.00220; ExAC 0.00303.
gnomAD v4.1: 2,668 of 1,613,678 alleles (0.17%); highest among the groups gnomAD compares: Non-Finnish European, 0.2%; 9 homozygotes.

Submissions (4):

Labcorp Genetics (formerly Invitae), Labcorp
Classification: Benign. Last evaluated: 2026-01-26. Review status: criteria provided, single submitter. Criteria: Invitae Variant Classification Sherloc (09022015). Collection method: clinical testing. Allele origin: germline.

Blueprint Genetics
Classification: Likely benign. Last evaluated: 2024-11-23. Review status: criteria provided, single submitter. Criteria: ACMG Guidelines, 2015. Collection method: clinical testing. Allele origin: germline.

Illumina Laboratory Services, Illumina
Classification: Likely benign for Encephalopathy-hypertrophic cardiomyopathy-renal tubular disease syndrome. Last evaluated: 2018-01-13. Review status: criteria provided, single submitter. Criteria: ICSL Variant Classification Criteria 13 December 2019. Collection method: clinical testing. Allele origin: germline.
Comment: This variant was observed in the ICSL laboratory as part of a predisposition screen in an ostensibly healthy population. It had not been previously curated by ICSL or reported in the Human Gene Mutation Database (HGMD: prior to June 1st, 2018), and was therefore a candidate for classification through an automated scoring system. Utilizing variant allele frequency, disease prevalence and penetrance estimates, and inheritance mode, an automated score was calculated to assess if this variant is too frequent to cause the disease. Based on the score and internal cut-off values, a variant classified as likely benign is not then subjected to further curation. The score for this variant resulted in a classification of likely benign for this disease.

GeneDx
Classification: Benign. Last evaluated: 2013-04-30. Review status: criteria provided, single submitter. Criteria: GeneDx Variant Classification (06012015). Collection method: clinical testing. Allele origin: germline. Affected: yes.
Comment: This variant is considered likely benign or benign based on one or more of the following criteria: it is a conservative change, it occurs at a poorly conserved position in the protein, it is predicted to be benign by multiple in silico algorithms, and/or has population frequency not consistent with disease.